The following is an entry in ClinVar:

NM_005762.3(TRIM28):c.311G>T (p.Gly104Val)

Genes: TRIM28 (tripartite motif containing 28; plus strand), LOC130065239 (ATAC-STARR-seq lymphoblastoid silent region 11093; plus strand). Cytogenetic location: 19q13.43.
Variant type: single nucleotide variant.
Coding change: c.311G>T on transcript NM_005762.3 (MANE Select); coding-DNA position 311, G replaced by T.
Protein change: p.Gly104Val; replaces glycine 104 with valine.
Molecular consequence: missense variant.
Genome position (GRCh38, 1-based): chr19:58,545,068, G>T. VCF-style: chr19-58545068-G-T. GRCh37 (hg19) VCF-style: chr19-59056435-G-T.
Other names: short protein forms G104V.
Identifiers: ClinVar variation 3631194 (VCV003631194.2).

ClinVar aggregate classification (germline): Uncertain significance (1 of 4 stars; one submission).

gnomAD v4.1: 25 of 1,445,668 alleles (0.0017%); highest among the groups gnomAD compares: Non-Finnish European, 0.0022%; no homozygotes.

Submission:

Labcorp Genetics (formerly Invitae), Labcorp
Classification: Uncertain significance. Last evaluated: 2025-04-07. Review status: criteria provided, single submitter. Criteria: Invitae Variant Classification Sherloc (09022015). Collection method: clinical testing. Allele origin: germline.
Comment: This sequence change replaces glycine, which is neutral and non-polar, with valine, which is neutral and non-polar, at codon 104 of the TRIM28 protein (p.Gly104Val). This variant is present in population databases (no rsID available, gnomAD 0.003%). This variant has not been reported in the literature in individuals affected with TRIM28-related conditions. ClinVar contains an entry for this variant (Variation ID: 3631194). Experimental studies and prediction algorithms are not available or were not evaluated, and the functional significance of this variant is currently unknown. In summary, the available evidence is currently insufficient to determine the role of this variant in disease. Therefore, it has been classified as a Variant of Uncertain Significance.